The following is an entry in ClinVar:

NM_019109.5(ALG1):c.1199T>G (p.Leu400Arg)

Gene: ALG1 (ALG1 chitobiosyldiphosphodolichol beta-mannosyltransferase; plus strand). Cytogenetic location: 16p13.3.
Variant type: single nucleotide variant.
Coding change: c.1199T>G on transcript NM_019109.5 (MANE Select); coding-DNA position 1199, T replaced by G.
Protein change: p.Leu400Arg; replaces leucine 400 with arginine.
Molecular consequence: missense variant.
Genome position (GRCh38, 1-based): chr16:5,083,693, T>G. VCF-style: chr16-5083693-T-G. GRCh37 (hg19) VCF-style: chr16-5133694-T-G.
Other names: c.866T>G, p.Leu289Arg (NM_001330504.2); short protein forms L400R, L289R.
Identifiers: ClinVar variation 2040793 (VCV002040793.4), dbSNP rs1957058265, ClinGen allele CA394674554.

ClinVar aggregate classification (germline): Uncertain significance (1 of 4 stars; one submission).

Conditions:
ALG1-congenital disorder of glycosylation. Also called: ALG1-CDG; CONGENITAL DISORDER OF GLYCOSYLATION, TYPE Ik; CDG Ik. Identifiers: Orphanet 79327, MedGen C2931005, MONDO:0012052, OMIM 608540.

Submission:

Labcorp Genetics (formerly Invitae), Labcorp
Classification: Uncertain significance for ALG1-congenital disorder of glycosylation. Last evaluated: 2021-12-12. Review status: criteria provided, single submitter. Criteria: Invitae Variant Classification Sherloc (09022015). Collection method: clinical testing. Allele origin: germline.
Comment: This sequence change replaces leucine, which is neutral and non-polar, with arginine, which is basic and polar, at codon 400 of the ALG1 protein (p.Leu400Arg). In summary, the available evidence is currently insufficient to determine the role of this variant in disease. Therefore, it has been classified as a Variant of Uncertain Significance. Advanced modeling of protein sequence and biophysical properties (such as structural, functional, and spatial information, amino acid conservation, physicochemical variation, residue mobility, and thermodynamic stability) performed at Invitae indicates that this missense variant is expected to disrupt ALG1 protein function. This variant has not been reported in the literature in individuals affected with ALG1-related conditions. This variant is not present in population databases (gnomAD no frequency).